The following is an entry in ClinVar:

ClinVar aggregate classification (germline): Pathogenic/Likely pathogenic. Review status: criteria provided, multiple submitters, no conflicts (2 of 4 stars). 4 submissions from 4 submitters: Pathogenic (1); Likely pathogenic (3). Last evaluated 2025-11-18.

Conditions:
Mucopolysaccharidosis, MPS-III-A (MPS3A). Also called: MPS III A; Mucopolysaccharidosis type IIIA (Sanfilippo A); HEPARAN SULFATE SULFATASE DEFICIENCY; SANFILIPPO SYNDROME A; SULFAMIDASE DEFICIENCY; Mucopolysaccharidosis, type IIIA. Identifiers: Orphanet 581, Orphanet 79269, MedGen C0086647, MONDO:0009655, OMIM 252900.

Allele frequency attached by ClinVar (database versions not stated): ExAC 0.00001; gnomAD 0.00001; gnomAD exomes 0.00001 and 0.00002; TOPMed 0.00002; ESP Exome Variant Server 0.00008.
gnomAD v4.1: 16 of 1,613,074 alleles (0.00099%); highest among the groups gnomAD compares: East Asian, 0.0067%; no homozygotes.

Submissions (4):

Natera, Inc.
Classification: Likely pathogenic for Mucopolysaccharidosis type IIIA. Last evaluated: 2025-11-18. Review status: criteria provided, single submitter. Criteria: Natera Variant Classification Schema (03/2026). Collection method: clinical testing. Allele origin: germline.
Comment: The c.545G>A variant in SGSH is a missense variant predicted to cause substitution of arginine to histidine at amino acid 182. This variant is rare in the general population with a frequency below the threshold expected for the associated phenotype(s). This variant has been observed in one or more individuals affected with the associated recessive disease, as either homozygous or compound heterozygous with a second variant (PMID: 31718697, 36972941, 38149346). This variant has been identified in one or more affected individual with a phenotype highly consistent with the associated gene (PMID: 31718697). A different variant at the same position has been determined to be Pathogenic or Likely Pathogenic. Computational prediction algorithms indicate this variant is likely to affect gene or protein function. Given the available evidence, this variant is classified as Likely Pathogenic.

Variantyx, Inc.
Classification: Likely pathogenic for Mucopolysaccharidosis, MPS-III-A. Last evaluated: 2025-04-07. Review status: criteria provided, single submitter. Criteria: Variantyx Assertion Criteria 2022. Collection method: clinical testing. Allele origin: germline. Inheritance: Autosomal recessive inheritance. Affected: no.
Comment: This is a nonsynonymous variant in the SGSH gene (OMIM: 605270). Pathogenic variants in this gene have been associated with autosomal recessive mucopolysaccharidosis type IIIA. This variant has been identified in the homozygous or compound heterozygous state in at least 10 individuals reported in the published literature (PMID: 31718697, 36972941, 38149346) (PM3_Strong). Multiple computational algorithms predict a deleterious effect for this variant (REVEL score: 0.928) (PP3), and an alternate amino acid change at this position (p.Arg182Cys) have been previously reported in similarly affected individuals, which suggests that this residue is biologically important (PMID: 9554748, 21061399, 30809705) (PM5). . This variant has a 0.0067% maximum allele frequency in non-founder control populations (PM2). Based on the current evidence, this variant is classified as likely pathogenic for autosomal recessive mucopolysaccharidosis type IIIA.

Labcorp Genetics (formerly Invitae), Labcorp
Classification: Pathogenic for Mucopolysaccharidosis, MPS-III-A. Last evaluated: 2024-05-15. Review status: criteria provided, single submitter. Criteria: Invitae Variant Classification Sherloc (09022015). Collection method: clinical testing. Allele origin: germline.
Comment: This sequence change replaces arginine, which is basic and polar, with histidine, which is basic and polar, at codon 182 of the SGSH protein (p.Arg182His). This variant is present in population databases (rs372911015, gnomAD 0.01%). This missense change has been observed in individual(s) with mucopolysaccharidosis type III (PMID: 31718697). ClinVar contains an entry for this variant (Variation ID: 1071734). Advanced modeling of protein sequence and biophysical properties (such as structural, functional, and spatial information, amino acid conservation, physicochemical variation, residue mobility, and thermodynamic stability) performed at Invitae indicates that this missense variant is expected to disrupt SGSH protein function with a positive predictive value of 80%. This variant disrupts the p.Arg182 amino acid residue in SGSH. Other variant(s) that disrupt this residue have been determined to be pathogenic (PMID: 9554748, 10727844, 21061399, 30809705). This suggests that this residue is clinically significant, and that variants that disrupt this residue are likely to be disease-causing. For these reasons, this variant has been classified as Pathogenic.

Neuberg Centre For Genomic Medicine, NCGM
Classification: Likely pathogenic for Mucopolysaccharidosis, MPS-III-A. Last evaluated: 2023-02-14. Review status: criteria provided, single submitter. Criteria: ACMG Guidelines, 2015. Collection method: clinical testing. Allele origin: germline. Inheritance: Autosomal recessive inheritance. Affected: yes.

Literature cited by the submitters: PubMed 31718697 (cited by 3 submitters); PubMed 36972941 (cited by Natera, Inc. and Variantyx, Inc.); PubMed 38149346 (cited by Natera, Inc.); PubMed 9554748 (cited by Labcorp Genetics (formerly Invitae), Labcorp); PubMed 10727844 (cited by Labcorp Genetics (formerly Invitae), Labcorp); PubMed 21061399 (cited by Labcorp Genetics (formerly Invitae), Labcorp); PubMed 30809705 (cited by Labcorp Genetics (formerly Invitae), Labcorp).

NM_000199.5(SGSH):c.545G>A (p.Arg182His)

Gene: SGSH (N-sulfoglucosamine sulfohydrolase; minus strand). Cytogenetic location: 17q25.3.
Variant type: single nucleotide variant.
Coding change: c.545G>A on transcript NM_000199.5 (MANE Select); coding-DNA position 545, G replaced by A.
Protein change: p.Arg182His; replaces arginine 182 with histidine.
Molecular consequence: missense variant. On other transcripts: non-coding transcript variant (1).
Genome position (GRCh38, 1-based): chr17:80,214,290, C>T on the plus strand (G>A on the coding strand, the complement: SGSH is on the minus strand). VCF-style: chr17-80214290-C-T. GRCh37 (hg19) VCF-style: chr17-78188089-C-T.
Other names: c.545G>A, p.Arg182His (NM_001352921.3, NM_001352922.2); c.545G>A (NM_000199.4); short protein forms R182H.
Identifiers: ClinVar variation 1071734 (VCV001071734.11), dbSNP rs372911015, ClinGen allele CA8817948.
Genomic context (GRCh38, chr17:80,214,290, plus strand): 5'-CTCTCTCCGTTGCCAAACTTCTCACAGAAGGTTCCGTACTGGGGCTGGGAGTGCCCACAG[C>T]GGTGGGGGTCGTGGAAGGCGACGTAGAGGAAGAAAGGCCTGCACGGGAGGAGGCTCATTG-3'
Protein context (NP_000190.1, residues 172-192): FLYVAFHDPH[Arg182His]CGHSQPQYGT